The following is an entry in ClinVar:

ClinVar aggregate classification (germline): Uncertain significance (1 of 4 stars; one submission).

Submission:

Labcorp Genetics (formerly Invitae), Labcorp
Classification: Uncertain significance. Last evaluated: 2025-09-30. Review status: criteria provided, single submitter. Criteria: Invitae Variant Classification Sherloc (09022015). Collection method: clinical testing. Allele origin: germline.
Comment: This sequence change replaces alanine, which is neutral and non-polar, with valine, which is neutral and non-polar, at codon 5 of the ADD3 protein (p.Ala5Val). This variant is not present in population databases (gnomAD no frequency). This variant has not been reported in the literature in individuals affected with ADD3-related conditions. An algorithm developed to predict the effect of missense changes on protein structure and function outputs the following: PolyPhen-2: "Benign". The valine amino acid residue is found in multiple mammalian species, which suggests that this missense change does not adversely affect protein function. In summary, the available evidence is currently insufficient to determine the role of this variant in disease. Therefore, it has been classified as a Variant of Uncertain Significance.

NM_016824.5(ADD3):c.14C>T (p.Ala5Val)

Gene: ADD3 (adducin 3; plus strand). Cytogenetic location: 10q25.2.
Variant type: single nucleotide variant.
Coding change: c.14C>T on transcript NM_016824.5 (MANE Select); coding-DNA position 14, C replaced by T.
Protein change: p.Ala5Val; replaces alanine 5 with valine.
Molecular consequence: missense variant. On other transcripts: 5 prime UTR variant (1).
Genome position (GRCh38, 1-based): chr10:110,100,667, C>T. VCF-style: chr10-110100667-C-T. GRCh37 (hg19) VCF-style: chr10-111860425-C-T.
Other names: c.14C>T, p.Ala5Val (NM_001121.4, NM_001320591.2, NM_001320592.2 and 2 more transcripts); c.-275C>T (NM_001320594.2); short protein forms A5V.
Identifiers: ClinVar variation 4764894 (VCV004764894.1).